The following is an entry in ClinVar:

ClinVar aggregate classification (germline): Pathogenic. Review status: criteria provided, single submitter (1 of 4 stars). 2 submissions from 2 submitters: Pathogenic (1). 1 of the submissions does not count toward it. Last evaluated 2026-01-23.

Conditions:
Ornithine carbamoyltransferase deficiency (OTCD). Also called: ORNITHINE TRANSCARBAMYLASE DEFICIENCY, HYPERAMMONEMIA DUE TO; ORNITHINE TRANSCARBAMYLASE DEFICIENCY; OTC DEFICIENCY; Ornithine Carbamoyltransferase Deficiency Disease. Identifiers: Orphanet 664, MedGen C0268542, MONDO:0010703, OMIM 311250.

Submissions (2):

Labcorp Genetics (formerly Invitae), Labcorp
Classification: Pathogenic for Ornithine carbamoyltransferase deficiency. Last evaluated: 2026-01-23. Review status: criteria provided, single submitter. Criteria: Invitae Variant Classification Sherloc (09022015). Collection method: clinical testing. Allele origin: germline.
Comment: This sequence change creates a premature translational stop signal (p.Glu273Glyfs*16) in the OTC gene. It is expected to result in an absent or disrupted protein product. Loss-of-function variants in OTC are known to be pathogenic (PMID: 10946359, 16786505). This variant is not present in population databases (gnomAD no frequency). This premature translational stop signal has been observed in individual(s) with ornithine transcarbamylase deficiency (PMID: 16786505). ClinVar contains an entry for this variant (Variation ID: 97338). For these reasons, this variant has been classified as Pathogenic.

GenMed Metabolism Lab
Classification: Pathogenic. Review status: no assertion criteria provided. Collection method: not provided. Allele origin: unknown. Not counted in ClinVar's aggregate classification.
Comment: Frameshift, Neonatal
ClinVar note: Converted during submission from pathogenic to Pathogenic.

Literature cited by the submitters: PubMed 10946359 (cited by Labcorp Genetics (formerly Invitae), Labcorp); PubMed 16786505 (cited by Labcorp Genetics (formerly Invitae), Labcorp).

NM_000531.6(OTC):c.818del (p.Glu273fs)

Gene: OTC (ornithine transcarbamylase; plus strand). Cytogenetic location: Xp11.4.
Variant type: Deletion.
Coding change: c.818del on transcript NM_000531.6 (MANE Select); coding-DNA position 818, one base deleted (A; older notation c.818delA).
Protein change: p.Glu273fs; shifts the reading frame from glutamic acid 273.
Molecular consequence: frameshift variant.
Genome position (GRCh38, 1-based): chrX:38,408,976, A deleted. VCF-style (leftmost placement, unchanged base first): chrX-38408975-GA-G. GRCh37 (hg19) VCF-style: chrX-38268228-GA-G.
Other names: short protein forms E273fs.
Identifiers: ClinVar variation 97338 (VCV000097338.3), dbSNP rs72558453, ClinGen allele CA224807.